The following is an entry in ClinVar:

ClinVar aggregate classification (germline): Uncertain significance (1 of 4 stars; one submission).

gnomAD v4.1: 1 of 1,211,446 alleles (0.000083%); highest among the groups gnomAD compares: South Asian, 0.0018%; no homozygotes.

Submission:

Labcorp Genetics (formerly Invitae), Labcorp
Classification: Uncertain significance. Last evaluated: 2026-01-24. Review status: criteria provided, single submitter. Criteria: Invitae Variant Classification Sherloc (09022015). Collection method: clinical testing. Allele origin: germline.
Comment: This sequence change replaces tyrosine, which is neutral and polar, with cysteine, which is neutral and slightly polar, at codon 197 of the CCNQ protein (p.Tyr197Cys). This variant is present in population databases (no rsID available, gnomAD 0.005%), including at least one homozygous and/or hemizygous individual. This variant has not been reported in the literature in individuals affected with CCNQ-related conditions. Experimental studies and prediction algorithms are not available or were not evaluated, and the functional significance of this variant is currently unknown. In summary, the available evidence is currently insufficient to determine the role of this variant in disease. Therefore, it has been classified as a Variant of Uncertain Significance.

NM_152274.5(CCNQ):c.590A>G (p.Tyr197Cys)

Gene: CCNQ (cyclin Q; minus strand). Cytogenetic location: Xq28.
Variant type: single nucleotide variant.
Coding change: c.590A>G on transcript NM_152274.5 (MANE Select); coding-DNA position 590, A replaced by G.
Protein change: p.Tyr197Cys; replaces tyrosine 197 with cysteine.
Molecular consequence: missense variant.
Genome position (GRCh38, 1-based): chrX:153,592,573, T>C on the plus strand (A>G on the coding strand, the complement: CCNQ is on the minus strand). VCF-style: chrX-153592573-T-C. GRCh37 (hg19) VCF-style: chrX-152858031-T-C.
Other names: c.590A>G, p.Tyr197Cys (NM_001130997.3); short protein forms Y197C.
Identifiers: ClinVar variation 4733022 (VCV004733022.1).